The following is an entry in ClinVar:

NM_178138.6(LHX3):c.79+1935C>A

Gene: LHX3 (LIM homeobox 3; minus strand). Cytogenetic location: 9q34.3.
Variant type: single nucleotide variant.
Coding change: c.79+1935C>A on transcript NM_178138.6 (MANE Select); 1935 bases into the intron after coding-DNA position 79, C replaced by A.
Molecular consequence: intron variant. On other transcripts: missense variant (1).
Genome position (GRCh38, 1-based): chr9:136,202,999, G>T on the plus strand (C>A on the coding strand, the complement: LHX3 is on the minus strand). VCF-style: chr9-136202999-G-T. GRCh37 (hg19) VCF-style: chr9-139094845-G-T.
Other names: c.41C>A, p.Ala14Glu (NM_014564.5); short protein forms A14E.
Identifiers: ClinVar variation 2228324 (VCV002228324.2), dbSNP rs769912904, ClinGen allele CA375521502.

ClinVar aggregate classification (germline): Uncertain significance (1 of 4 stars; one submission).

Conditions:
Inborn genetic diseases. Identifiers: MedGen C0950123, MeSH D030342.

gnomAD v4.1: 4 of 1,524,742 alleles (0.00026%); highest among the groups gnomAD compares: Admixed American, 0.0079%; no homozygotes.

Submission:

Ambry Genetics
Classification: Uncertain significance for Inborn genetic diseases. Last evaluated: 2020-12-15. Review status: criteria provided, single submitter. Criteria: Ambry Variant Classification Scheme 2023. Collection method: clinical testing. Allele origin: germline.
Comment: The c.41C>A (p.A14E) alteration is located in exon 1 (coding exon 1) of the LHX3 gene. This alteration results from a C to A substitution at nucleotide position 41, causing the alanine (A) at amino acid position 14 to be replaced by a glutamic acid (E). The p.A14E alteration is predicted to be tolerated by in silico analysis. Based on insufficient or conflicting evidence, the clinical significance of this alteration remains unclear.